The following is an entry in ClinVar:

NM_001127222.2(CACNA1A):c.2966_2989del (p.Gly989_Pro996del)

Gene: CACNA1A (calcium voltage-gated channel subunit alpha1 A; minus strand). Cytogenetic location: 19p13.13.
Variant type: Deletion.
Coding change: c.2966_2989del on transcript NM_001127222.2 (MANE Select); coding-DNA positions 2966 to 2989, 24 bases deleted (GCGAGGGCGAGGGCGAGGGCCCCG).
Protein change: p.Gly989_Pro996del.
Molecular consequence: inframe deletion.
Genome position (GRCh38, 1-based): chr19:13,298,644-13,298,667, CGGGGCCCTCGCCCTCGCCCTCGC deleted on the plus strand (GCGAGGGCGAGGGCGAGGGCCCCG on the coding strand, the reverse complement: CACNA1A is on the minus strand); deleting any 24 consecutive bases within chr19:13,298,644-13,298,669 gives the same sequence; the c. name uses the placement nearest the transcript's 3' end. VCF-style (leftmost placement, unchanged base first): chr19-13298643-TCGGGGCCCTCGCCCTCGCCCTCGC-T. GRCh37 (hg19) VCF-style: chr19-13409457-TCGGGGCCCTCGCCCTCGCCCTCGC-T.
Other names: c.2978_3001del, p.Gly993_Pro1000del (NM_000068.4, NM_023035.3); c.2969_2992del, p.Gly990_Pro997del (NM_001127221.2, NM_001174080.2).
Identifiers: ClinVar variation 1347556 (VCV001347556.8), dbSNP rs2144952654, ClinGen allele CA2573156116.

ClinVar aggregate classification (germline): Uncertain significance (1 of 4 stars; one submission).

Conditions:
Developmental and epileptic encephalopathy, 42 (DEE42A). Also called: Epileptic encephalopathy, early infantile, 42; DEVELOPMENTAL AND EPILEPTIC ENCEPHALOPATHY 42A; EPILEPTIC ENCEPHALOPATHY, EARLY INFANTILE, 42A. Identifiers: MedGen C4310716, MONDO:0014917, OMIM 617106.
Episodic ataxia type 2 (EA2). Also called: ATAXIA, EPISODIC, WITH NYSTAGMUS; ATAXIA, FAMILIAL PAROXYSMAL; CEREBELLAR ATAXIA, PAROXYSMAL, ACETAZOLAMIDE-RESPONSIVE; CEREBELLOPATHY, HEREDITARY PAROXYSMAL; EPISODIC ATAXIA, NYSTAGMUS-ASSOCIATED; ACETAZOLAMIDE-RESPONSIVE HEREDITARY PAROXYSMAL CEREBELLAR ATAXIA. Identifiers: Orphanet 97, MedGen C1720416, MONDO:0007163, OMIM 108500.

Submission:

Labcorp Genetics (formerly Invitae), Labcorp
Classification: Uncertain significance for Developmental and epileptic encephalopathy, 42; Episodic ataxia type 2. Last evaluated: 2021-04-23. Review status: criteria provided, single submitter. Criteria: Invitae Variant Classification Sherloc (09022015). Collection method: clinical testing. Allele origin: germline.
Comment: In summary, the available evidence is currently insufficient to determine the role of this variant in disease. Therefore, it has been classified as a Variant of Uncertain Significance. Experimental studies and prediction algorithms are not available or were not evaluated, and the functional significance of this variant is currently unknown. This variant has not been reported in the literature in individuals with CACNA1A-related conditions. The frequency data for this variant in the population databases is considered unreliable, as metrics indicate insufficient coverage at this position in the ExAC database. This variant, c.2969_2992del, results in the deletion of 8 amino acid(s) of the CACNA1A protein (p.Gly990_Pro997del), but otherwise preserves the integrity of the reading frame.